The following is an entry in ClinVar:

NM_001244008.2(KIF1A):c.*1685G>C

Gene: KIF1A (kinesin family member 1A; minus strand). Cytogenetic location: 2q37.3.
Variant type: single nucleotide variant.
Coding change: c.*1685G>C on transcript NM_001244008.2 (MANE Select); 1685 bases downstream of the stop codon, G replaced by C.
Molecular consequence: 3 prime UTR variant.
Genome position (GRCh38, 1-based): chr2:240,715,679, C>G on the plus strand (G>C on the coding strand, the complement: KIF1A is on the minus strand). VCF-style: chr2-240715679-C-G. GRCh37 (hg19) VCF-style: chr2-241655096-C-G.
Other names: c.*1685G>C (NM_001320705.2, NM_001330289.2, NM_001330290.2 and 20 more transcripts).
Identifiers: ClinVar variation 335238 (VCV000335238.5), dbSNP rs3732340, ClinGen allele CA10612895.

ClinVar aggregate classification (germline): Benign (1 of 4 stars; one submission).

Conditions:
Hereditary spastic paraplegia 30. Identifiers: Orphanet 101010, MedGen C5235139, MONDO:0012476.

Allele frequency attached by ClinVar (database versions not stated): TOPMed 0.05506; 1000 Genomes Project 0.09145; 1000 Genomes Project 30x 0.09213.

Submission:

Illumina Laboratory Services, Illumina
Classification: Benign for Spastic paraplegia 30A, autosomal dominant. Last evaluated: 2018-01-13. Review status: criteria provided, single submitter. Criteria: ICSL Variant Classification Criteria 13 December 2019. Collection method: clinical testing. Allele origin: germline.
Comment: This variant was observed in the ICSL laboratory as part of a predisposition screen in an ostensibly healthy population. It had not been previously curated by ICSL or reported in the Human Gene Mutation Database (HGMD: prior to June 1st, 2018), and was therefore a candidate for classification through an automated scoring system. Utilizing variant allele frequency, disease prevalence and penetrance estimates, and inheritance mode, an automated score was calculated to assess if this variant is too frequent to cause the disease. Based on the score and internal cut-off values, a variant classified as benign is not then subjected to further curation. The score for this variant resulted in a classification of benign for this disease.